The following is an entry in ClinVar:

ClinVar aggregate classification (germline): Pathogenic. Review status: criteria provided, multiple submitters, no conflicts (2 of 4 stars). 3 submissions from 3 submitters: Pathogenic (2). 1 of the submissions does not count toward it. Last evaluated 2024-10-07.

Conditions:
Nephrotic syndrome 14. Also called: RENI SYNDROME; RENAL, ENDOCRINE, NEUROLOGIC, AND IMMUNE SYNDROME; Sphingosine Phosphate Lyase Insufficiency Syndrome. Identifiers: Orphanet 506334, MedGen C4540559, MONDO:0033203, OMIM 617575.

Allele frequency attached by ClinVar (database versions not stated): gnomAD 0.00002; TOPMed 0.00002.
gnomAD v4.1: 5 of 1,612,798 alleles (0.00031%); highest among the groups gnomAD compares: African/African-American, 0.004%; no homozygotes.

Submissions (3):

Women's Health and Genetics/Laboratory Corporation of America, LabCorp
Classification: Pathogenic for Nephrotic syndrome 14. Last evaluated: 2024-10-07. Review status: criteria provided, single submitter. Criteria: LabCorp Variant Classification Summary - May 2015. Collection method: clinical testing. Allele origin: germline.
Comment: Variant summary: SGPL1 c.1513C>T (p.Arg505X) results in a premature termination codon, predicted to cause a truncation of the encoded protein or absence of the protein due to nonsense mediated decay, which are commonly known mechanisms for disease. The variant was absent in 251324 control chromosomes. c.1513C>T has been reported in the literature in at least one homozygous individual affected with Nephrotic syndrome 14 (e.g. Janecke_2017). These data indicate that the variant is likely associated with disease. The following publication has been ascertained in the context of this evaluation (PMID: 28181337). ClinVar contains an entry for this variant (Variation ID: 430867). Based on the evidence outlined above, the variant was classified as pathogenic.

Baylor Genetics
Classification: Pathogenic for Nephrotic syndrome 14. Last evaluated: 2020-06-30. Review status: criteria provided, single submitter. Criteria: ACMG Guidelines, 2015. Collection method: clinical testing. Allele origin: unknown. Affected: yes.
Comment: This variant was determined to be pathogenic according to ACMG Guidelines, 2015 [PMID:25741868].

OMIM
Classification: Pathogenic for RENI SYNDROME. Last evaluated: 2023-08-24. Review status: no assertion criteria provided. Collection method: literature only. Allele origin: germline. Not counted in ClinVar's aggregate classification.

Literature cited by the submitters: PubMed 28181337 (cited by Women's Health and Genetics/Laboratory Corporation of America, LabCorp and OMIM); PubMed 24777844 (cited by OMIM).

NM_003901.4(SGPL1):c.1513C>T (p.Arg505Ter)

Gene: SGPL1 (sphingosine-1-phosphate lyase 1; plus strand). Cytogenetic location: 10q22.1.
Variant type: single nucleotide variant.
Coding change: c.1513C>T on transcript NM_003901.4 (MANE Select); coding-DNA position 1513, C replaced by T.
Protein change: p.Arg505Ter; replaces arginine 505 with a stop codon.
Molecular consequence: nonsense.
Genome position (GRCh38, 1-based): chr10:70,876,608, C>T. VCF-style: chr10-70876608-C-T. GRCh37 (hg19) VCF-style: chr10-72636365-C-T.
Other names: short protein forms R505*.
Identifiers: ClinVar variation 430867 (VCV000430867.6), dbSNP rs746887949, ClinGen allele CA209397949.